The following is an entry in ClinVar:

NM_001146.5(ANGPT1):c.103C>T (p.Arg35Trp)

Gene: ANGPT1 (angiopoietin 1; minus strand). Cytogenetic location: 8q23.1.
Variant type: single nucleotide variant.
Coding change: c.103C>T on transcript NM_001146.5 (MANE Select); coding-DNA position 103, C replaced by T.
Protein change: p.Arg35Trp; replaces arginine 35 with tryptophan.
Molecular consequence: missense variant.
Genome position (GRCh38, 1-based): chr8:107,497,456, G>A on the plus strand (C>T on the coding strand, the complement: ANGPT1 is on the minus strand). VCF-style: chr8-107497456-G-A. GRCh37 (hg19) VCF-style: chr8-108509684-G-A.
Other names: c.103C>T, p.Arg35Trp (NM_001199859.3); short protein forms R35W.
Identifiers: ClinVar variation 2828969 (VCV002828969.3), dbSNP rs2536914683, ClinGen allele CA372035525.

ClinVar aggregate classification (germline): Uncertain significance (1 of 4 stars; one submission).

Allele frequency attached by ClinVar (database versions not stated): gnomAD exomes below 0.00001.
gnomAD v4.1: 3 of 1,614,114 alleles (0.00019%); highest among the groups gnomAD compares: Non-Finnish European, 0.00025%; no homozygotes.

Submission:

Labcorp Genetics (formerly Invitae), Labcorp
Classification: Uncertain significance. Last evaluated: 2023-01-15. Review status: criteria provided, single submitter. Criteria: Invitae Variant Classification Sherloc (09022015). Collection method: clinical testing. Allele origin: germline.
Comment: This sequence change replaces arginine, which is basic and polar, with tryptophan, which is neutral and slightly polar, at codon 35 of the ANGPT1 protein (p.Arg35Trp). This variant is not present in population databases (gnomAD no frequency). This variant has not been reported in the literature in individuals affected with ANGPT1-related conditions. Algorithms developed to predict the effect of missense changes on protein structure and function are either unavailable or do not agree on the potential impact of this missense change (SIFT: "Deleterious"; PolyPhen-2: "Probably Damaging"; Align-GVGD: "Class C0"). In summary, the available evidence is currently insufficient to determine the role of this variant in disease. Therefore, it has been classified as a Variant of Uncertain Significance.